The following is an entry in ClinVar:

ClinVar aggregate classification (germline): Uncertain significance (1 of 4 stars; one submission).

gnomAD v4.1: 3 of 1,472,838 alleles (0.0002%); highest among the groups gnomAD compares: Non-Finnish European, 0.00027%; no homozygotes.

Submission:

GeneDx
Classification: Uncertain significance. Last evaluated: 2024-07-10. Review status: criteria provided, single submitter. Criteria: GeneDx Variant Classification Process June 2021. Collection method: clinical testing. Allele origin: germline. Affected: yes.
Comment: Not observed at significant frequency in large population cohorts (gnomAD); In silico analysis indicates that this missense variant does not alter protein structure/function; Has not been previously published as pathogenic or benign to our knowledge

NM_000814.6(GABRB3):c.17G>A (p.Gly6Glu)

Gene: GABRB3 (gamma-aminobutyric acid type A receptor subunit beta3; minus strand). Cytogenetic location: 15q12.
Variant type: single nucleotide variant.
Coding change: c.17G>A on transcript NM_000814.6 (MANE Select); coding-DNA position 17, G replaced by A.
Protein change: p.Gly6Glu; replaces glycine 6 with glutamic acid.
Molecular consequence: missense variant. On other transcripts: 5 prime UTR variant (1), intron variant (1).
Genome position (GRCh38, 1-based): chr15:26,772,946, C>T on the plus strand (G>A on the coding strand, the complement: GABRB3 is on the minus strand). VCF-style: chr15-26772946-C-T. GRCh37 (hg19) VCF-style: chr15-27018093-C-T.
Other names: c.-335G>A (NM_001278631.2); c.81-174G>A (NM_021912.5); short protein forms G6E.
Identifiers: ClinVar variation 3572646 (VCV003572646.1).